The following is an entry in ClinVar:

ClinVar aggregate classification (germline): Benign. Review status: criteria provided, multiple submitters, no conflicts (2 of 4 stars). 4 submissions from 4 submitters: Benign (4). Last evaluated 2026-02-02.

Allele frequency attached by ClinVar (database versions not stated): 1000 Genomes Project 30x 0.00609; 1000 Genomes Project 0.00639; TOPMed 0.00821; ESP Exome Variant Server 0.00861; gnomAD exomes 0.00984 and 0.01164; gnomAD 0.00997 and 0.01004; ExAC 0.01073.
gnomAD v4.1: 15,080 of 1,526,336 alleles (0.99%); highest among the groups gnomAD compares: Middle Eastern, 1.4%; 108 homozygotes.

Submissions (4):

Labcorp Genetics (formerly Invitae), Labcorp
Classification: Benign. Last evaluated: 2026-02-02. Review status: criteria provided, single submitter. Criteria: Invitae Variant Classification Sherloc (09022015). Collection method: clinical testing. Allele origin: germline.

Mayo Clinic Laboratories, Mayo Clinic
Classification: Benign. Last evaluated: 2024-11-04. Review status: criteria provided, single submitter. Criteria: ACMG Guidelines, 2015. Collection method: clinical testing. Allele origin: germline. Observed: 1 variant allele.
Comment: BS1, BS2, BP4, BP7

CeGaT Center for Human Genetics Tuebingen
Classification: Benign. Last evaluated: 2023-10-01. Review status: criteria provided, single submitter. Criteria: CeGaT Center For Human Genetics Tuebingen Variant Classification Criteria Version 2. Collection method: clinical testing. Allele origin: germline. Affected: yes. Observed: 4 variant alleles.
Comment: POLE2: BP4, BP7, BS1, BS2

Breakthrough Genomics
Classification: Benign. Review status: criteria provided, single submitter. Criteria: ACMG Guidelines, 2015. Collection method: not provided. Allele origin: germline. Inheritance: Unknown mechanism. Affected: yes.

NM_002692.4(POLE2):c.567G>A (p.Gln189=)

Gene: POLE2 (DNA polymerase epsilon 2, accessory subunit; minus strand). Cytogenetic location: 14q21.3.
Variant type: single nucleotide variant.
Coding change: c.567G>A on transcript NM_002692.4 (MANE Select); coding-DNA position 567, G replaced by A.
Protein change: p.Gln189=; no amino-acid change (glutamine 189 retained).
Molecular consequence: synonymous variant.
Genome position (GRCh38, 1-based): chr14:49,666,339, C>T on the plus strand (G>A on the coding strand, the complement: POLE2 is on the minus strand). VCF-style: chr14-49666339-C-T. GRCh37 (hg19) VCF-style: chr14-50133057-C-T.
Other names: p.Gln189=; c.489G>A, p.Gln163= (NM_001197330.2); c.567G>A, p.Gln189= (NM_001197331.3, NM_001348384.2); c.336G>A, p.Gln112= (NM_001348385.2).
Identifiers: ClinVar variation 1168746 (VCV001168746.35), dbSNP rs3218798, ClinGen allele CA7173574.